The following is an entry in ClinVar:

NM_001105206.3(LAMA4):c.4150G>A (p.Glu1384Lys)

Gene: LAMA4 (laminin subunit alpha 4; minus strand). Cytogenetic location: 6q21.
Variant type: single nucleotide variant.
Coding change: c.4150G>A on transcript NM_001105206.3 (MANE Select); coding-DNA position 4150, G replaced by A.
Protein change: p.Glu1384Lys; replaces glutamic acid 1384 with lysine.
Molecular consequence: missense variant.
Genome position (GRCh38, 1-based): chr6:112,129,059, C>T on the plus strand (G>A on the coding strand, the complement: LAMA4 is on the minus strand). VCF-style: chr6-112129059-C-T. GRCh37 (hg19) VCF-style: chr6-112450261-C-T.
Other names: p.E1377K:GAG>AAG; c.4129G>A, p.Glu1377Lys (NM_001105207.3, NM_002290.5); short protein forms E1377K, E1384K.
Identifiers: ClinVar variation 213595 (VCV000213595.4), dbSNP rs863223689, ClinGen allele CA322876.

ClinVar aggregate classification (germline): Uncertain significance (1 of 4 stars; one submission).

Allele frequency attached by ClinVar (database versions not stated): gnomAD exomes below 0.00001.
gnomAD v4.1: 1 of 1,611,986 alleles (0.000062%); highest among the groups gnomAD compares: Non-Finnish European, 0.000085%; no homozygotes.

Submission:

GeneDx
Classification: Uncertain significance. Last evaluated: 2015-07-30. Review status: criteria provided, single submitter. Criteria: GeneDx Variant Classification (06012015). Collection method: clinical testing. Allele origin: germline. Affected: yes.
Comment: p.Glu1377Lys (GAG>AAG): c.4129 G>A in exon 31 of the LAMA4 gene (NM_002290.3). A variant of unknown significance has been identified in the LAMA4 gene. The E1377K variant has not been published as a mutation or as a benign polymorphism to our knowledge. The E1377K variant was not observed in approximately 6,500 individuals of European and African American ancestry in the NHLBI Exome Sequencing Project, indicating it is not a common benign variant in these populations. The E1377K variant is a non-conservative amino acid substitution, which is likely to impact secondary protein structure as these residues differ in polarity, charge, size and/or other properties. In addition, this substitution occurs at a position that is completely conserved across species. In silico analysis predicts this variant is probably damaging to the protein structure/function.Therefore, based on the currently available information, it is unclear whether this variant is a pathogenic mutation or a rare benign variant. This variant was found in CARDIOMYOPATH.